The following is an entry in ClinVar:

ClinVar aggregate classification (germline): Uncertain significance (1 of 4 stars; one submission).

Conditions:
Left ventricular noncompaction 8 (LVNC8). Identifiers: Orphanet 154, Orphanet 54260, MedGen C3809288, MONDO:0014152, OMIM 615373.

Allele frequency attached by ClinVar (database versions not stated): gnomAD exomes below 0.00001.
gnomAD v4.1: 1 of 1,612,626 alleles (0.000062%); highest among the groups gnomAD compares: Non-Finnish European, 0.000085%; no homozygotes.

Submission:

Labcorp Genetics (formerly Invitae), Labcorp
Classification: Uncertain significance for Left ventricular noncompaction 8. Last evaluated: 2022-04-05. Review status: criteria provided, single submitter. Criteria: Invitae Variant Classification Sherloc (09022015). Collection method: clinical testing. Allele origin: germline.
Comment: This variant has not been reported in the literature in individuals affected with PRDM16-related conditions. This variant is not present in population databases (gnomAD no frequency). This sequence change replaces proline, which is neutral and non-polar, with histidine, which is basic and polar, at codon 739 of the PRDM16 protein (p.Pro739His). Algorithms developed to predict the effect of missense changes on protein structure and function (SIFT, PolyPhen-2, Align-GVGD) all suggest that this variant is likely to be disruptive. In summary, the available evidence is currently insufficient to determine the role of this variant in disease. Therefore, it has been classified as a Variant of Uncertain Significance.

NM_022114.4(PRDM16):c.2216C>A (p.Pro739His)

Gene: PRDM16 (PR/SET domain 16; plus strand). Cytogenetic location: 1p36.32.
Variant type: single nucleotide variant.
Coding change: c.2216C>A on transcript NM_022114.4 (MANE Select); coding-DNA position 2216, C replaced by A.
Protein change: p.Pro739His; replaces proline 739 with histidine.
Molecular consequence: missense variant.
Genome position (GRCh38, 1-based): chr1:3,412,413, C>A. VCF-style: chr1-3412413-C-A. GRCh37 (hg19) VCF-style: chr1-3328977-C-A.
Other names: c.2216C>A, p.Pro739His (NM_199454.3); short protein forms P739H.
Identifiers: ClinVar variation 2153858 (VCV002153858.4), dbSNP rs2523886287, ClinGen allele CA337999923.
Genomic context (GRCh38, chr1:3,412,413, plus strand): 5'-TCCCCTACCACTCGGCGTTCCCCTTCCAGTTCCTGCCCAACTTCCCCCACTCCCTTTACC[C>A]CTTCACGGACCGAGCCCTCGCCCACAACTTGCTGGTCAAGGCCGAGCCAAAGTCACCCCG-3'
Protein context (NP_071397.3, residues 729-749): FLPNFPHSLY[Pro739His]FTDRALAHNL